The following is an entry in ClinVar:

NM_001365276.2(TNXB):c.4032G>A (p.Val1344=)

Gene: TNXB (tenascin XB; minus strand). Cytogenetic location: 6p21.33.
Variant type: single nucleotide variant.
Coding change: c.4032G>A on transcript NM_001365276.2 (MANE Select); coding-DNA position 4032, G replaced by A.
Protein change: p.Val1344=; no amino-acid change (valine 1344 retained).
Molecular consequence: synonymous variant.
Genome position (GRCh38, 1-based): chr6:32,081,378, C>T on the plus strand (G>A on the coding strand, the complement: TNXB is on the minus strand). VCF-style: chr6-32081378-C-T. GRCh37 (hg19) VCF-style: chr6-32049155-C-T.
Other names: p.Val1344=; c.4032G>A, p.Val1344= (NM_019105.8).
Identifiers: ClinVar variation 1737217 (VCV001737217.5), dbSNP rs1034372192, ClinGen allele CA136896161.
Genomic context (GRCh38, chr6:32,081,378, plus strand): 5'-CTCACAGGATGGGGCTAGCAGGGGAGGGAGGCCTGGCAGCCATGACTCACCAGTCTTGGC[C>T]ACCACAGACTCGGGCCCCACACGCTGCCTGCCACGAAGCCCGTAGAGGTTCATCTTATAC-3'
Protein context (NP_001352205.1, residues 1334-1354): GRQRVGPESV[Val1344=]AKTAPQEDVD

ClinVar aggregate classification (germline): Likely benign. Review status: criteria provided, multiple submitters, no conflicts (2 of 4 stars). 4 submissions from 4 submitters: Likely benign (4). Last evaluated 2026-09-10.

Conditions:
TNXB-related disorder. Also called: TNXB-related condition.
Cardiovascular phenotype. Identifiers: MedGen CN230736.

Allele frequency attached by ClinVar (database versions not stated): gnomAD 0.00001; gnomAD exomes 0.00001; TOPMed 0.00001.
gnomAD v4.1: 12 of 1,537,382 alleles (0.00078%); highest among the groups gnomAD compares: Non-Finnish European, 0.0011%; no homozygotes.

Submissions (4):

PreventionGenetics, part of Exact Sciences
Classification: Likely benign for TNXB-related condition. Last evaluated: 2026-09-10. Review status: criteria provided, single submitter. Criteria: ACMG Guidelines, 2015. Collection method: clinical testing. Allele origin: germline.
Comment: This variant is classified as likely benign based on ACMG/AMP sequence variant interpretation guidelines (Richards et al. 2015 PMID: 25741868, with internal and published modifications).

Labcorp Genetics (formerly Invitae), Labcorp
Classification: Likely benign. Last evaluated: 2025-12-03. Review status: criteria provided, single submitter. Criteria: Invitae Variant Classification Sherloc (09022015). Collection method: clinical testing. Allele origin: germline.

Mayo Clinic Laboratories, Mayo Clinic
Classification: Likely benign. Last evaluated: 2025-03-17. Review status: criteria provided, single submitter. Criteria: ACMG Guidelines, 2015. Collection method: clinical testing. Allele origin: germline. Observed: 1 variant allele.
Comment: BP4, BP7

Ambry Genetics
Classification: Likely benign for Cardiovascular phenotype. Last evaluated: 2020-12-01. Review status: criteria provided, single submitter. Criteria: Ambry Variant Classification Scheme 2023. Collection method: clinical testing. Allele origin: germline.